The following is an entry in ClinVar:

ClinVar aggregate classification (germline): Conflicting classifications of pathogenicity. Review status: criteria provided, conflicting classifications (1 of 4 stars). 3 submissions from 3 submitters: Uncertain significance (2); Likely benign (1). Last evaluated 2025-09-03.

Conditions:
Hereditary cancer-predisposing syndrome. Also called: Tumor predisposition; Hereditary neoplastic syndrome; Neoplastic Syndromes, Hereditary; Hereditary Cancer Syndrome. Identifiers: Orphanet 140162, MedGen C0027672, MeSH D009386, MONDO:0015356.
Ataxia-telangiectasia syndrome (AT). Also called: Ataxia-telangiectasia, complementation group D; AT, COMPLEMENTATION GROUP C; ATAXIA-TELANGIECTASIA, COMPLEMENTATION GROUP A; ATAXIA-TELANGIECTASIA, FRESNO VARIANT; Ataxia-telangiectasia; LOUIS-BAR SYNDROME. Identifiers: Orphanet 100, MedGen C0004135, MONDO:0008840, OMIM 208900.

Allele frequency attached by ClinVar (database versions not stated): gnomAD exomes 0.00001 and 0.00003; ExAC 0.00003.
gnomAD v4.1: 19 of 1,614,196 alleles (0.0012%); highest among the groups gnomAD compares: South Asian, 0.02%; no homozygotes.

Submissions (3):

Labcorp Genetics (formerly Invitae), Labcorp
Classification: Uncertain significance for Ataxia-telangiectasia syndrome. Last evaluated: 2025-09-03. Review status: criteria provided, single submitter. Criteria: Invitae Variant Classification Sherloc (09022015). Collection method: clinical testing. Allele origin: germline.
Comment: This sequence change replaces serine, which is neutral and polar, with glycine, which is neutral and non-polar, at codon 2184 of the ATM protein (p.Ser2184Gly). This variant is present in population databases (rs764713766, gnomAD 0.03%). This variant has not been reported in the literature in individuals affected with ATM-related conditions. ClinVar contains an entry for this variant (Variation ID: 627886). Invitae Evidence Modeling of protein sequence and biophysical properties (such as structural, functional, and spatial information, amino acid conservation, physicochemical variation, residue mobility, and thermodynamic stability) indicates that this missense variant is not expected to disrupt ATM protein function with a negative predictive value of 95%. In summary, the available evidence is currently insufficient to determine the role of this variant in disease. Therefore, it has been classified as a Variant of Uncertain Significance.

Ambry Genetics
Classification: Likely benign for Hereditary cancer-predisposing syndrome. Last evaluated: 2024-12-19. Review status: criteria provided, single submitter. Criteria: Ambry Variant Classification Scheme 2023. Collection method: clinical testing. Allele origin: germline.

Color Diagnostics, LLC DBA Color Health
Classification: Uncertain significance for Hereditary cancer-predisposing syndrome. Last evaluated: 2023-12-05. Review status: criteria provided, single submitter. Criteria: ACMG Guidelines, 2015. Collection method: clinical testing. Allele origin: germline.
Comment: This missense variant replaces serine with glycine at codon 2184 of the ATM protein. Computational prediction suggests that this variant may not impact protein structure and function (internally defined REVEL score threshold <= 0.5, PMID: 27666373). To our knowledge, functional studies have not been reported for this variant. This variant has not been reported in individuals affected with ATM-related disorders in the literature. This variant has been identified in 8/251456 chromosomes in the general population by the Genome Aggregation Database (gnomAD). The available evidence is insufficient to determine the role of this variant in disease conclusively. Therefore, this variant is classified as a Variant of Uncertain Significance.

NM_000051.4(ATM):c.6550A>G (p.Ser2184Gly)

Genes: ATM (ATM serine/threonine kinase; plus strand), C11orf65 (chromosome 11 open reading frame 65; minus strand). Cytogenetic location: 11q22.3.
Variant type: single nucleotide variant.
Coding change: c.6550A>G on transcript NM_000051.4 (MANE Select); coding-DNA position 6550, A replaced by G.
Protein change: p.Ser2184Gly; replaces serine 2184 with glycine.
Molecular consequence: missense variant. On other transcripts: intron variant (2).
Genome position (GRCh38, 1-based): chr11:108,321,398, A>G. VCF-style: chr11-108321398-A-G. GRCh37 (hg19) VCF-style: chr11-108192125-A-G.
Other names: c.6550A>G, p.Ser2184Gly (NM_001351834.2); c.641-12327T>C (NM_001330368.2); c.*39-12327T>C (NM_001351110.2); short protein forms S2184G.
Identifiers: ClinVar variation 627886 (VCV000627886.15), dbSNP rs764713766, ClinGen allele CA6265968.